The following is an entry in ClinVar:

NM_001194.4(HCN2):c.2330C>G (p.Pro777Arg)

Gene: HCN2 (hyperpolarization activated cyclic nucleotide gated potassium and sodium channel 2; plus strand). Cytogenetic location: 19p13.3.
Variant type: single nucleotide variant.
Coding change: c.2330C>G on transcript NM_001194.4 (MANE Select); coding-DNA position 2330, C replaced by G.
Protein change: p.Pro777Arg; replaces proline 777 with arginine.
Molecular consequence: missense variant.
Genome position (GRCh38, 1-based): chr19:616,134, C>G. VCF-style: chr19-616134-C-G. GRCh37 (hg19) VCF-style: chr19-616134-C-G.
Other names: short protein forms P777R.
Identifiers: ClinVar variation 2213103 (VCV002213103.6), dbSNP rs1198300072, ClinGen allele CA402887641.

ClinVar aggregate classification (germline): Uncertain significance. Review status: criteria provided, multiple submitters, no conflicts (2 of 4 stars). 2 submissions from 2 submitters: Uncertain significance (2). Last evaluated 2026-01-01.

Conditions:
Inborn genetic diseases. Identifiers: MedGen C0950123, MeSH D030342.

Submissions (2):

CeGaT Center for Human Genetics Tuebingen
Classification: Uncertain significance. Last evaluated: 2026-01-01. Review status: criteria provided, single submitter. Criteria: CeGaT Center For Human Genetics Tuebingen Variant Classification Criteria Version 2. Collection method: clinical testing. Allele origin: germline. Affected: yes. Observed: 1 variant allele.
Comment: HCN2: PM2

Ambry Genetics
Classification: Uncertain significance for Inborn genetic diseases. Last evaluated: 2022-11-30. Review status: criteria provided, single submitter. Criteria: Ambry Variant Classification Scheme 2023. Collection method: clinical testing. Allele origin: germline.